The following is an entry in ClinVar:

ClinVar aggregate classification (germline): Uncertain significance (1 of 4 stars; one submission).

Conditions:
Dyskeratosis congenita, autosomal dominant 2. Identifiers: MedGen C3151443, MONDO:0013521, OMIM 613989.

Submission:

Centre for Mendelian Genomics, University Medical Centre Ljubljana
Classification: Uncertain significance for Dyskeratosis congenita, autosomal dominant 2. Last evaluated: 2026-07-22. Review status: criteria provided, single submitter. Criteria: ACMG Guidelines, 2015. Collection method: clinical testing. Allele origin: germline. Affected: yes. Observed: 1 variant allele.
Comment: The variant has not previously been reported as pathogenic. The variant is absent from control populations in gnomAD [PM2]. This is a missense variant in a gene with a low rate of benign missense variation, in which missense variants are a common mechanism of disease [PP2]. In silico pathogenicity prediction algorithms uniformly predict the variant as pathogenic [PP3]. The available evidence in the biomedical literature and databases is currently insufficient to assert whether the identified variant is pathogenic or a benign polymorphism. We therefore classify it as a variant of uncertain significance.

NM_198253.3(TERT):c.470C>A (p.Ala157Glu)

Gene: TERT (telomerase reverse transcriptase; minus strand). Cytogenetic location: 5p15.33.
Variant type: single nucleotide variant.
Coding change: c.470C>A on transcript NM_198253.3 (MANE Select); coding-DNA position 470, C replaced by A.
Protein change: p.Ala157Glu; replaces alanine 157 with glutamic acid.
Molecular consequence: missense variant. On other transcripts: non-coding transcript variant (2).
Genome position (GRCh38, 1-based): chr5:1,294,416, G>T on the plus strand (C>A on the coding strand, the complement: TERT is on the minus strand). VCF-style: chr5-1294416-G-T. GRCh37 (hg19) VCF-style: chr5-1294531-G-T.
Other names: p.Ala157Glu; c.470C>A, p.Ala157Glu (NM_001193376.3); short protein forms A157E.
Identifiers: ClinVar variation 4871902 (VCV004871902.1).